The following is an entry in ClinVar:

ClinVar aggregate classification (germline): Uncertain significance (1 of 4 stars; one submission).

Submission:

Labcorp Genetics (formerly Invitae), Labcorp
Classification: Uncertain significance. Last evaluated: 2024-12-07. Review status: criteria provided, single submitter. Criteria: Invitae Variant Classification Sherloc (09022015). Collection method: clinical testing. Allele origin: germline.
Comment: This variant, c.107_115dup, results in the insertion of 3 amino acid(s) of the FBXO11 protein (p.Pro36_Gln38dup), but otherwise preserves the integrity of the reading frame. This variant is not present in population databases (gnomAD no frequency). This variant has not been reported in the literature in individuals affected with FBXO11-related conditions. Experimental studies and prediction algorithms are not available or were not evaluated, and the functional significance of this variant is currently unknown. In summary, the available evidence is currently insufficient to determine the role of this variant in disease. Therefore, it has been classified as a Variant of Uncertain Significance.

NM_001190274.2(FBXO11):c.107_115dup (p.Gln38_Gln39insProGlnGln)

Genes: FBXO11 (F-box protein 11; minus strand), LOC100506235 (uncharacterized LOC100506235; plus strand). Cytogenetic location: 2p16.3.
Variant type: Duplication.
Coding change: c.107_115dup on transcript NM_001190274.2 (MANE Select); coding-DNA positions 107 to 115, 9 bases duplicated (CCCAGCAGC; older notation c.107_115dupCCCAGCAGC).
Protein change: p.Gln38_Gln39insProGlnGln.
Molecular consequence: non-coding transcript variant (on NR_187636.1).
Genome position (GRCh38, 1-based): chr2:47,905,606-47,905,614, GCTGCTGGG duplicated on the plus strand (CCCAGCAGC on the coding strand, the reverse complement: FBXO11 is on the minus strand); duplicating any 9 consecutive bases within chr2:47,905,606-47,905,616 gives the same sequence; the c. name uses the placement nearest the transcript's 3' end. VCF-style (leftmost placement, unchanged base first): chr2-47905605-T-TGCTGCTGGG. GRCh37 (hg19) VCF-style: chr2-48132744-T-TGCTGCTGGG.
Identifiers: ClinVar variation 3669756 (VCV003669756.2).